The following is an entry in ClinVar:

ClinVar aggregate classification (germline): Uncertain significance (1 of 4 stars; one submission).

Submission:

Ambry Genetics
Classification: Uncertain significance. Last evaluated: 2021-11-21. Review status: criteria provided, single submitter. Criteria: Ambry Variant Classification Scheme 2023. Collection method: clinical testing. Allele origin: germline.
Comment: The p.V36L variant (also known as c.106G>C), located in coding exon 1 of the GALNT12 gene, results from a G to C substitution at nucleotide position 106. The valine at codon 36 is replaced by leucine, an amino acid with highly similar properties. This amino acid position is conserved. In addition, this alteration is predicted to be tolerated by in silico analysis. Since supporting evidence is limited at this time, the clinical significance of this alteration remains unclear.

NM_024642.5(GALNT12):c.106G>C (p.Val36Leu)

Genes: GALNT12 (polypeptide N-acetylgalactosaminyltransferase 12; plus strand), LOC130002222 (ATAC-STARR-seq lymphoblastoid silent region 20123; plus strand). Cytogenetic location: 9q22.33.
Variant type: single nucleotide variant.
Coding change: c.106G>C on transcript NM_024642.5 (MANE Select); coding-DNA position 106, G replaced by C.
Protein change: p.Val36Leu; replaces valine 36 with leucine.
Molecular consequence: missense variant.
Genome position (GRCh38, 1-based): chr9:98,807,804, G>C. VCF-style: chr9-98807804-G-C. GRCh37 (hg19) VCF-style: chr9-101570086-G-C.
Other names: short protein forms V36L.
Identifiers: ClinVar variation 1783084 (VCV001783084.2), dbSNP rs2490455053, ClinGen allele CA374222282.
Genomic context (GRCh38, chr9:98,807,804, plus strand): 5'-CGCGGCCGGGAGGCGCTGTTGGTGCTCCTGGCGCTACTGGCGTTGGCCGGGCTGGGCTCG[G>C]TGCTGCGGGCGCAGCGTGGGGCCGGGGCCGGGGCTGCCGAGCCGGGACCCCCGCGCACCC-3'
Protein context (NP_078918.3, residues 26-46): ALLALAGLGS[Val36Leu]LRAQRGAGAG